The following is an entry in ClinVar:

NM_182914.3(SYNE2):c.20383-9G>A

Gene: SYNE2 (spectrin repeat containing nuclear envelope protein 2; plus strand). Cytogenetic location: 14q23.2.
Variant type: single nucleotide variant.
Coding change: c.20383-9G>A on transcript NM_182914.3 (MANE Select); 9 bases into the intron before coding-DNA position 20383, G replaced by A.
Molecular consequence: intron variant.
Genome position (GRCh38, 1-based): chr14:64,224,452, G>A. VCF-style: chr14-64224452-G-A. GRCh37 (hg19) VCF-style: chr14-64691170-G-A.
Other names: c.20314-9G>A (NM_015180.6); c.1327-9G>A (NM_182913.4); c.949-9G>A (NM_182910.2).
Identifiers: ClinVar variation 313661 (VCV000313661.15), dbSNP rs373857906, ClinGen allele CA7224847.
Genomic context (GRCh38, chr14:64,224,452, plus strand): 5'-GTGAGCTATATCATGAAGAATATGCATGAAACACATTTCTGTGCTCAACCTTTGGGGTCT[G>A]AATTTCAGAACCCAGCCTCACCCCTGCCCAGCTTCGACGAGGTAGACTCGGGGGACCAGC-3'

ClinVar aggregate classification (germline): Benign/Likely benign. Review status: criteria provided, multiple submitters, no conflicts (2 of 4 stars). 2 submissions from 2 submitters: Benign (1); Likely benign (1). Last evaluated 2025-07-22.

Conditions:
Emery-Dreifuss muscular dystrophy 5, autosomal dominant (EDMD5). Also called: EMERY-DREIFUSS MUSCULAR DYSTROPHY 5. Identifiers: Orphanet 261, MedGen C2751805, MONDO:0013072, OMIM 612999.

Allele frequency attached by ClinVar (database versions not stated): ESP Exome Variant Server 0.00008; gnomAD 0.00011 and 0.00014; ExAC 0.00012; TOPMed 0.00016.
gnomAD v4.1: 507 of 1,605,054 alleles (0.032%); highest among the groups gnomAD compares: Non-Finnish European, 0.042%; no homozygotes.

Submissions (2):

Labcorp Genetics (formerly Invitae), Labcorp
Classification: Likely benign for Emery-Dreifuss muscular dystrophy 5, autosomal dominant. Last evaluated: 2025-07-22. Review status: criteria provided, single submitter. Criteria: Invitae Variant Classification Sherloc (09022015). Collection method: clinical testing. Allele origin: germline.

Illumina Laboratory Services, Illumina
Classification: Benign for Emery-Dreifuss muscular dystrophy 5, autosomal dominant. Last evaluated: 2018-01-13. Review status: criteria provided, single submitter. Criteria: ICSL Variant Classification Criteria 13 December 2019. Collection method: clinical testing. Allele origin: germline.
Comment: This variant was observed in the ICSL laboratory as part of a predisposition screen in an ostensibly healthy population. It had not been previously curated by ICSL or reported in the Human Gene Mutation Database (HGMD: prior to June 1st, 2018), and was therefore a candidate for classification through an automated scoring system. Utilizing variant allele frequency, disease prevalence and penetrance estimates, and inheritance mode, an automated score was calculated to assess if this variant is too frequent to cause the disease. Based on the score and internal cut-off values, a variant classified as benign is not then subjected to further curation. The score for this variant resulted in a classification of benign for this disease.